The following is an entry in ClinVar:

ClinVar aggregate classification (germline): Uncertain significance. Review status: criteria provided, multiple submitters, no conflicts (2 of 4 stars). 2 submissions from 2 submitters: Uncertain significance (2). Last evaluated 2025-04-28.

Conditions:
USP9X-related disorder. Also called: USP9X-related condition.

Submissions (2):

Labcorp Genetics (formerly Invitae), Labcorp
Classification: Uncertain significance. Last evaluated: 2025-04-28. Review status: criteria provided, single submitter. Criteria: Invitae Variant Classification Sherloc (09022015). Collection method: clinical testing. Allele origin: germline.
Comment: This sequence change replaces alanine, which is neutral and non-polar, with glycine, which is neutral and non-polar, at codon 2468 of the USP9X protein (p.Ala2468Gly). This variant is not present in population databases (gnomAD no frequency). This variant has not been reported in the literature in individuals affected with USP9X-related conditions. ClinVar contains an entry for this variant (Variation ID: 2630265). An algorithm developed to predict the effect of missense changes on protein structure and function (PolyPhen-2) suggests that this variant is likely to be tolerated. In summary, the available evidence is currently insufficient to determine the role of this variant in disease. Therefore, it has been classified as a Variant of Uncertain Significance.

PreventionGenetics, part of Exact Sciences
Classification: Uncertain significance for USP9X-related condition. Last evaluated: 2023-02-23. Review status: criteria provided, single submitter. Criteria: ACMG Guidelines, 2015. Collection method: clinical testing. Allele origin: germline.
Comment: The USP9X c.7403C>G variant is predicted to result in the amino acid substitution p.Ala2468Gly. To our knowledge, this variant has not been reported in the literature or in a large population database, indicating this variant is rare. At this time, the clinical significance of this variant is uncertain due to the absence of conclusive functional and genetic evidence.

NM_001039591.3(USP9X):c.7403C>G (p.Ala2468Gly)

Gene: USP9X (ubiquitin specific peptidase 9 X-linked; plus strand). Cytogenetic location: Xp11.4.
Variant type: single nucleotide variant.
Coding change: c.7403C>G on transcript NM_001039591.3 (MANE Select); coding-DNA position 7403, C replaced by G.
Protein change: p.Ala2468Gly; replaces alanine 2468 with glycine.
Molecular consequence: missense variant.
Genome position (GRCh38, 1-based): chrX:41,229,751, C>G. VCF-style: chrX-41229751-C-G. GRCh37 (hg19) VCF-style: chrX-41089004-C-G.
Other names: c.7403C>G, p.Ala2468Gly (NM_001039590.3); c.7418C>G, p.Ala2473Gly (NM_001410748.1, NM_001410749.1); short protein forms A2468G, A2473G.
Identifiers: ClinVar variation 2630265 (VCV002630265.2), dbSNP rs2519414311, ClinGen allele CA412753714.